The following is an entry in ClinVar:

NM_015404.4(WHRN):c.1176C>T (p.Gly392=)

Gene: WHRN (whirlin; minus strand). Cytogenetic location: 9q32.
Variant type: single nucleotide variant.
Coding change: c.1176C>T on transcript NM_015404.4 (MANE Select); coding-DNA position 1176, C replaced by T.
Protein change: p.Gly392=; no amino-acid change (glycine 392 retained).
Molecular consequence: synonymous variant.
Genome position (GRCh38, 1-based): chr9:114,425,015, G>A on the plus strand (C>T on the coding strand, the complement: WHRN is on the minus strand). VCF-style: chr9-114425015-G-A. GRCh37 (hg19) VCF-style: chr9-117187295-G-A.
Other names: c.27C>T, p.Gly9= (NM_001083885.3); c.1176C>T, p.Gly392= (NM_001173425.2); c.123C>T, p.Gly41= (NM_001346890.1).
Identifiers: ClinVar variation 45643 (VCV000045643.16), dbSNP rs200276167, ClinGen allele CA136862.
Genomic context (GRCh38, chr9:114,425,015, plus strand): 5'-GAAGCAGAGAATACCCCTTAGAGGATGTCCTACCTTGTTTATTCCTTCTGTTGTGAGATC[G>A]CCAAGAAACCTGTGGGGAAAGACACACATCTCCAGTTGTGCATTTGAGCAGATCAAATGG-3'
Protein context (NP_056219.3, residues 382-402): ETMANSAGFL[Gly392=]DLTTEGINKP

ClinVar aggregate classification (germline): Likely benign. Review status: criteria provided, multiple submitters, no conflicts (2 of 4 stars). 4 submissions from 4 submitters: Likely benign (4). Last evaluated 2025-12-16.

Allele frequency attached by ClinVar (database versions not stated): gnomAD 0.00003 and 0.00004; ExAC 0.00004; TOPMed 0.00006; gnomAD exomes 0.00007.

Submissions (4):

Labcorp Genetics (formerly Invitae), Labcorp
Classification: Likely benign. Last evaluated: 2025-12-16. Review status: criteria provided, single submitter. Criteria: Invitae Variant Classification Sherloc (09022015). Collection method: clinical testing. Allele origin: germline.

Blueprint Genetics
Classification: Likely benign. Last evaluated: 2024-04-23. Review status: criteria provided, single submitter. Criteria: ACMG Guidelines, 2015. Collection method: clinical testing. Allele origin: germline.

GeneDx
Classification: Likely benign. Last evaluated: 2018-05-25. Review status: criteria provided, single submitter. Criteria: GeneDx Variant Classification (06012015). Collection method: clinical testing. Allele origin: germline. Affected: yes.
Comment: This variant is considered likely benign or benign based on one or more of the following criteria: it is a conservative change, it occurs at a poorly conserved position in the protein, it is predicted to be benign by multiple in silico algorithms, and/or has population frequency not consistent with disease.

Laboratory for Molecular Medicine, Mass General Brigham Personalized Medicine
Classification: Likely benign. Last evaluated: 2010-09-03. Review status: criteria provided, single submitter. Criteria: LMM Criteria. Collection method: clinical testing. Allele origin: germline. Observed: 1 variant allele.
Comment: Gly392Gly in exon 5 of DFNB31: This variant is not expected to have clinical sig nificance because it does not alter an amino acid residue and is not located nea r a splice junction.